The following is an entry in ClinVar:

ClinVar aggregate classification (germline): Likely pathogenic (1 of 4 stars; one submission).

Conditions:
MYH9-related disorder. Identifiers: MedGen C1854520.

Submission:

NIHR Bioresource Rare Diseases, University of Cambridge
Classification: Likely pathogenic for MYH9-related disorder. Last evaluated: 2018-12-12. Review status: criteria provided, single submitter. Criteria: ACMG Guidelines, 2015. Collection method: research. Allele origin: unknown. Inheritance: Autosomal dominant inheritance. Affected: yes. Observed: 1 heterozygote.
Comment: PM2, #PM4, PM1, PP4

NM_002473.6(MYH9):c.5808del (p.Gly1938fs)

Gene: MYH9 (myosin heavy chain 9; minus strand). Cytogenetic location: 22q12.3.
Variant type: Deletion.
Coding change: c.5808del on transcript NM_002473.6 (MANE Select); coding-DNA position 5808, one base deleted (G; older notation c.5808delG).
Protein change: p.Gly1938fs; shifts the reading frame from glycine 1938.
Molecular consequence: frameshift variant.
Genome position (GRCh38, 1-based): chr22:36,282,743, C deleted on the plus strand (G on the coding strand, the reverse complement: MYH9 is on the minus strand); the first of 2 consecutive C bases (chr22:36,282,743-36,282,744); deleting either gives the same sequence. VCF-style (leftmost placement, unchanged base first): chr22-36282742-TC-T. GRCh37 (hg19) VCF-style: chr22-36678788-TC-T.
Other names: short protein forms G1938fs.
Identifiers: ClinVar variation 623104 (VCV000623104.3), dbSNP rs1603482650, ClinGen allele CA915951360.